The following is an entry in ClinVar:

NM_001352754.2(ARMC9):c.2202_2203insA (p.Gly735fs)

Genes: ARMC9 (armadillo repeat containing 9; plus strand), LOC122861306 (Sharpr-MPRA regulatory region 9410; plus strand). Cytogenetic location: 2q37.1.
Variant type: Insertion.
Coding change: c.2202_2203insA on transcript NM_001352754.2 (MANE Select); coding-DNA positions 2202 to 2203, A inserted.
Protein change: p.Gly735fs; shifts the reading frame from glycine 735.
Molecular consequence: frameshift variant.
Genome position: GRCh38 VCF-style: chr2-231360824-G-GA. GRCh37 (hg19) VCF-style: chr2-232225535-C-CA.
Other names: c.2202_2203insA, p.Gly735fs (NM_001271466.4); short protein forms G735fs.
Identifiers: ClinVar variation 1351690 (VCV001351690.4), dbSNP rs1559504756, ClinGen allele CA539962025.

ClinVar aggregate classification (germline): Uncertain significance (1 of 4 stars; one submission).

Allele frequency attached by ClinVar (database versions not stated): gnomAD exomes 0.00001.

Submission:

Labcorp Genetics (formerly Invitae), Labcorp
Classification: Uncertain significance. Last evaluated: 2023-11-27. Review status: criteria provided, single submitter. Criteria: Invitae Variant Classification Sherloc (09022015). Collection method: clinical testing. Allele origin: germline.
Comment: This sequence change affects codon 734 of the ARMC9 mRNA. It is a 'silent' change, meaning that it does not change the encoded amino acid sequence of the ARMC9 protein. This variant is present in population databases (no rsID available, gnomAD no frequency). This variant has not been reported in the literature in individuals affected with ARMC9-related conditions. In summary, the available evidence is currently insufficient to determine the role of this variant in disease. Therefore, it has been classified as a Variant of Uncertain Significance.